The following is an entry in ClinVar:

ClinVar aggregate classification (germline): Uncertain significance (1 of 4 stars; one submission).

Conditions:
COL4A2-related disorder. Also called: COL4A2-related disorders; COL4A2-related condition.

Allele frequency attached by ClinVar (database versions not stated): ESP Exome Variant Server 0.00008.
gnomAD v4.1: 2 of 1,585,174 alleles (0.00013%); highest among the groups gnomAD compares: Non-Finnish European, 0.00017%; no homozygotes.

Submission:

PreventionGenetics, part of Exact Sciences
Classification: Uncertain significance for COL4A2-related condition. Last evaluated: 2023-04-21. Review status: criteria provided, single submitter. Criteria: ACMG Guidelines, 2015. Collection method: clinical testing. Allele origin: germline.
Comment: The COL4A2 c.395C>G variant is predicted to result in the amino acid substitution p.Pro132Arg. To our knowledge, this variant has not been reported in the literature. This variant is reported in 0.0078% of alleles in individuals of African descent in gnomAD. At this time, the clinical significance of this variant is uncertain due to the absence of conclusive functional and genetic evidence.

NM_001846.4(COL4A2):c.395C>G (p.Pro132Arg)

Gene: COL4A2 (collagen type IV alpha 2 chain; plus strand). Cytogenetic location: 13q34.
Variant type: single nucleotide variant.
Coding change: c.395C>G on transcript NM_001846.4 (MANE Select); coding-DNA position 395, C replaced by G.
Protein change: p.Pro132Arg; replaces proline 132 with arginine.
Molecular consequence: missense variant.
Genome position (GRCh38, 1-based): chr13:110,428,501, C>G. VCF-style: chr13-110428501-C-G. GRCh37 (hg19) VCF-style: chr13-111080848-C-G.
Other names: short protein forms P132R.
Identifiers: ClinVar variation 2628654 (VCV002628654.1), dbSNP rs199561972, ClinGen allele CA7048882.